The following is an entry in ClinVar:

ClinVar aggregate classification (germline): Uncertain significance. Review status: criteria provided, multiple submitters, no conflicts (2 of 4 stars). 2 submissions from 2 submitters: Uncertain significance (2). Last evaluated 2022-08-09.

Conditions:
Mitochondrial DNA depletion syndrome 13. Also called: FBXL4-Related Encephalomyopathic Mitochondrial DNA Depletion Syndrome; Mitochondrial DNA depletion syndrome 13 (encephalomyopathic type). Identifiers: Orphanet 369897, MedGen C3809592, MONDO:0014198, OMIM 615471.

Allele frequency attached by ClinVar (database versions not stated): gnomAD 0.00001; gnomAD exomes 0.00001; TOPMed 0.00001; 1000 Genomes Project 30x 0.00016; 1000 Genomes Project 0.00020; ExAC 0.00001.
gnomAD v4.1: 4 of 1,613,956 alleles (0.00025%); highest among the groups gnomAD compares: Admixed American, 0.005%; no homozygotes.

Submissions (2):

Labcorp Genetics (formerly Invitae), Labcorp
Classification: Uncertain significance. Last evaluated: 2022-08-09. Review status: criteria provided, single submitter. Criteria: Invitae Variant Classification Sherloc (09022015). Collection method: clinical testing. Allele origin: germline.
Comment: This sequence change replaces alanine, which is neutral and non-polar, with threonine, which is neutral and polar, at codon 418 of the FBXL4 protein (p.Ala418Thr). This variant is present in population databases (rs542852839, gnomAD 0.006%). This variant has not been reported in the literature in individuals affected with FBXL4-related conditions. ClinVar contains an entry for this variant (Variation ID: 437720). Advanced modeling of protein sequence and biophysical properties (such as structural, functional, and spatial information, amino acid conservation, physicochemical variation, residue mobility, and thermodynamic stability) performed at Invitae indicates that this missense variant is expected to disrupt FBXL4 protein function. In summary, the available evidence is currently insufficient to determine the role of this variant in disease. Therefore, it has been classified as a Variant of Uncertain Significance.

Wong Mito Lab, Molecular and Human Genetics, Baylor College of Medicine
Classification: Uncertain significance for Mitochondrial DNA depletion syndrome 13. Last evaluated: 2017-08-10. Review status: criteria provided, single submitter. Criteria: ACMG Guidelines, 2015. Collection method: reference population. Allele origin: germline.
Comment: The NM_012160.4:c.1252G>A (NP_036292.2:p.Ala418Thr) [GRCH38: NC_000006.12:g.98899333C>T] variant in FBXL4 gene is interpretated to be a Uncertain Significance - Insufficient Evidence based on ACMG guidelines (PMID: 25741868). This variant meets one or more of the following evidence codes reported in the ACMG-guideline. PM2:This variant is absent in key population databases. Based on this evidence code ClinGen Pathogenicity Calculator (PMID:28081714) suggested that the variant is Uncertain Significance - Insufficient Evidence.

NM_001278716.2(FBXL4):c.1252G>A (p.Ala418Thr)

Gene: FBXL4 (F-box and leucine rich repeat protein 4; minus strand). Cytogenetic location: 6q16.1.
Variant type: single nucleotide variant.
Coding change: c.1252G>A on transcript NM_001278716.2 (MANE Select); coding-DNA position 1252, G replaced by A.
Protein change: p.Ala418Thr; replaces alanine 418 with threonine.
Molecular consequence: missense variant. On other transcripts: non-coding transcript variant (2).
Genome position (GRCh38, 1-based): chr6:98,899,333, C>T on the plus strand (G>A on the coding strand, the complement: FBXL4 is on the minus strand). VCF-style: chr6-98899333-C-T. GRCh37 (hg19) VCF-style: chr6-99347209-C-T.
Other names: c.1252G>A, p.Ala418Thr (NM_012160.5); short protein forms A418T.
Identifiers: ClinVar variation 437720 (VCV000437720.3), dbSNP rs542852839, ClinGen allele CA3933495.